The following is an entry in ClinVar:

NM_001105206.3(LAMA4):c.2172_2173del (p.Asp726fs)

Gene: LAMA4 (laminin subunit alpha 4; minus strand). Cytogenetic location: 6q21.
Variant type: Microsatellite.
Coding change: c.2172_2173del on transcript NM_001105206.3 (MANE Select); coding-DNA positions 2172 to 2173, 2 bases deleted (AG; older notation c.2172_2173delAG).
Protein change: p.Asp726fs; shifts the reading frame from aspartic acid 726.
Molecular consequence: frameshift variant.
Genome position (GRCh38, 1-based): chr6:112,150,511-112,150,512, CT deleted on the plus strand (AG on the coding strand, the reverse complement: LAMA4 is on the minus strand); deleting any 2 consecutive bases within chr6:112,150,511-112,150,518 gives the same sequence; the c. name uses the placement nearest the transcript's 3' end. VCF-style (leftmost placement, unchanged base first): chr6-112150510-CCT-C. GRCh37 (hg19) VCF-style: chr6-112471712-CCT-C.
Other names: c.2151_2152del, p.Asp719fs (NM_001105207.3, NM_002290.5); short protein forms D719fs, D726fs.
Identifiers: ClinVar variation 2656859 (VCV002656859.24), dbSNP rs2547051894, ClinGen allele CA2578718959.
Genomic context (GRCh38, chr6:112,150,510, plus strand): 5'-AAGGTTTACCTTACACTCCAGTGAATCAACAGATGAGACTTCAATTCTCTCTGATGCTTA[CCT>C]CTCTCTGCTGCTTGTAGTTGCTTAACGGCATCACTGAGTCTGGTTTTAAGGGCACTTTTC-3'

ClinVar aggregate classification (germline): Uncertain significance (1 of 4 stars; one submission).

Submission:

CeGaT Center for Human Genetics Tuebingen
Classification: Uncertain significance. Last evaluated: 2023-07-01. Review status: criteria provided, single submitter. Criteria: CeGaT Center For Human Genetics Tuebingen Variant Classification Criteria Version 2. Collection method: clinical testing. Allele origin: germline. Affected: yes. Observed: 1 variant allele.
Comment: LAMA4: PM2